The following is an entry in ClinVar:

ClinVar aggregate classification (germline): Uncertain significance (1 of 4 stars; one submission).

Submission:

Labcorp Genetics (formerly Invitae), Labcorp
Classification: Uncertain significance. Last evaluated: 2024-11-26. Review status: criteria provided, single submitter. Criteria: Invitae Variant Classification Sherloc (09022015). Collection method: clinical testing. Allele origin: germline.
Comment: This sequence change falls in intron 8 of the OPHN1 gene. It does not directly change the encoded amino acid sequence of the OPHN1 protein. It affects a nucleotide within the consensus splice site. This variant is not present in population databases (gnomAD no frequency). This variant has been observed in individual(s) with clinical features of OPHN1-related conditions (internal data). Variants that disrupt the consensus splice site are a relatively common cause of aberrant splicing (PMID: 17576681, 9536098). Algorithms developed to predict the effect of sequence changes on RNA splicing suggest that this variant may disrupt the consensus splice site. In summary, the available evidence is currently insufficient to determine the role of this variant in disease. Therefore, it has been classified as a Variant of Uncertain Significance.

Literature cited by the submitters: PubMed 17576681; PubMed 9536098.

NM_002547.3(OPHN1):c.702+5G>A

Gene: OPHN1 (oligophrenin 1; minus strand). Cytogenetic location: Xq12.
Variant type: single nucleotide variant.
Coding change: c.702+5G>A on transcript NM_002547.3 (MANE Select); 5 bases into the intron after coding-DNA position 702, G replaced by A.
Molecular consequence: intron variant.
Genome position (GRCh38, 1-based): chrX:68,212,103, C>T on the plus strand (G>A on the coding strand, the complement: OPHN1 is on the minus strand). VCF-style: chrX-68212103-C-T. GRCh37 (hg19) VCF-style: chrX-67431945-C-T.
Identifiers: ClinVar variation 3629191 (VCV003629191.2).